The following is an entry in ClinVar:

NM_001378778.1(MPDZ):c.2030T>A (p.Met677Lys)

Gene: MPDZ (multiple PDZ domain crumbs cell polarity complex component; minus strand). Cytogenetic location: 9p23.
Variant type: single nucleotide variant.
Coding change: c.2030T>A on transcript NM_001378778.1 (MANE Select); coding-DNA position 2030, T replaced by A.
Protein change: p.Met677Lys; replaces methionine 677 with lysine.
Molecular consequence: missense variant.
Genome position (GRCh38, 1-based): chr9:13,190,238, A>T on the plus strand (T>A on the coding strand, the complement: MPDZ is on the minus strand). VCF-style: chr9-13190238-A-T. GRCh37 (hg19) VCF-style: chr9-13190237-A-T.
Other names: c.2030T>A, p.Met677Lys (NM_001261406.2, NM_001261407.2, NM_001330637.2 and 14 more transcripts); short protein forms M677K.
Identifiers: ClinVar variation 1958226 (VCV001958226.2), dbSNP rs377352804, ClinGen allele CA189285396.

ClinVar aggregate classification (germline): Uncertain significance (1 of 4 stars; one submission).

Allele frequency attached by ClinVar (database versions not stated): ESP Exome Variant Server 0.00008.
gnomAD v4.1: 21 of 1,612,548 alleles (0.0013%); highest among the groups gnomAD compares: African/African-American, 0.025%; no homozygotes.

Submission:

Labcorp Genetics (formerly Invitae), Labcorp
Classification: Uncertain significance. Last evaluated: 2022-08-22. Review status: criteria provided, single submitter. Criteria: Invitae Variant Classification Sherloc (09022015). Collection method: clinical testing. Allele origin: germline.
Comment: This sequence change replaces methionine, which is neutral and non-polar, with lysine, which is basic and polar, at codon 677 of the MPDZ protein (p.Met677Lys). This variant is present in population databases (rs377352804, gnomAD 0.04%). This variant has not been reported in the literature in individuals affected with MPDZ-related conditions. Algorithms developed to predict the effect of missense changes on protein structure and function are either unavailable or do not agree on the potential impact of this missense change (SIFT: "Deleterious"; PolyPhen-2: "Benign"; Align-GVGD: "Class C35"). In summary, the available evidence is currently insufficient to determine the role of this variant in disease. Therefore, it has been classified as a Variant of Uncertain Significance.